The following is an entry in ClinVar:

ClinVar aggregate classification (germline): Pathogenic (1 of 4 stars; one submission).

Submission:

Labcorp Genetics (formerly Invitae), Labcorp
Classification: Pathogenic. Last evaluated: 2022-09-23. Review status: criteria provided, single submitter. Criteria: Invitae Variant Classification Sherloc (09022015). Collection method: clinical testing. Allele origin: germline.
Comment: This variant has not been reported in the literature in individuals affected with TUBGCP6-related conditions. This variant is not present in population databases (gnomAD no frequency). This sequence change creates a premature translational stop signal (p.Arg1664Valfs*14) in the TUBGCP6 gene. It is expected to result in an absent or disrupted protein product. Loss-of-function variants in TUBGCP6 are known to be pathogenic (PMID: 25344692). For these reasons, this variant has been classified as Pathogenic.

Literature cited by the submitters: PubMed 25344692.

NM_020461.4(TUBGCP6):c.4990del (p.Arg1664fs)

Gene: TUBGCP6 (tubulin gamma complex component 6; minus strand). Cytogenetic location: 22q13.33.
Variant type: Deletion.
Coding change: c.4990del on transcript NM_020461.4 (MANE Select); coding-DNA position 4990, one base deleted (C; older notation c.4990delC).
Protein change: p.Arg1664fs; shifts the reading frame from arginine 1664.
Molecular consequence: frameshift variant.
Genome position (GRCh38, 1-based): chr22:50,218,367, G deleted on the plus strand (C on the coding strand, the reverse complement: TUBGCP6 is on the minus strand); the first of 2 consecutive G bases (chr22:50,218,367-50,218,368); deleting either gives the same sequence. VCF-style (leftmost placement, unchanged base first): chr22-50218366-CG-C. GRCh37 (hg19) VCF-style: chr22-50656795-CG-C.
Other names: short protein forms R1664fs.
Identifiers: ClinVar variation 2031991 (VCV002031991.4), dbSNP rs2519121172, ClinGen allele CA2580099927.